The following is an entry in ClinVar:

ClinVar aggregate classification (germline): Likely pathogenic. Review status: criteria provided, single submitter (1 of 4 stars). 3 submissions from 2 submitters: Likely pathogenic (1). 2 of the submissions do not count toward it. Last evaluated 2026-09-08.

Conditions:
Fabry disease. Also called: ALPHA-GALACTOSIDASE A DEFICIENCY; ANDERSON-FABRY DISEASE; CERAMIDE TRIHEXOSIDASE DEFICIENCY; Fabry's disease; Angiokeratoma corporis diffusum; Ceramide trihexosidosis. Identifiers: Orphanet 324, MedGen C0002986, MONDO:0010526, OMIM 301500, HP:0001071. Disease mechanism: loss of function, Fabry disease is due to inactivating mutations in the X-linked GLA gene resulting in deficiency of the enzyme Alpha Galactosidase-A..
Migalastat response. Also called: 1-Deoxygalactonojirimycin response; Galafold response. Identifiers: MedGen CN233149.

Submissions (3):

Genomenon, Inc
Classification: Likely pathogenic for Fabry disease. Last evaluated: 2026-09-08. Review status: criteria provided, single submitter. Criteria: Genomenon Sequence Variant Interpretation Standards - Updated. Collection method: curation. Allele origin: germline. Affected: yes.
Comment: GLA p.Gln327Arg (c.980A>G) is a missense variant that changes the amino acid at codon 327 from Glutamine to Arginine. This variant has been observed in at least one proband with clinical features consistent with Fabry disease (PMID:26415523). At least one functional study has demonstrated a substantial alteration in protein function relative to the wild-type (PMID:26415523). It is absent or not present at a significant frequency in gnomAD. In silico models predict that this variant is possibly or probably damaging. In conclusion, we classify GLA p.Gln327Arg (c.980A>G) as a likely pathogenic variant.

Albrecht-Kossel-Institute, Medical University Rostock
Classification: Pathogenic for Fabry's disease. Last evaluated: 2014-01-01. Review status: no assertion criteria provided. Collection method: research. Allele origin: inherited. Not counted in ClinVar's aggregate classification.

Albrecht-Kossel-Institute, Medical University Rostock
Classification: drug response for deoxygalactonojirimycin response. Last evaluated: 2014-01-01. Review status: no assertion criteria provided. Collection method: research. Allele origin: inherited. Not counted in ClinVar's aggregate classification.

Literature cited by the submitters: PubMed 26415523 (cited by Genomenon, Inc and Albrecht-Kossel-Institute, Medical University Rostock).

NM_000169.3(GLA):c.980A>G (p.Gln327Arg)

Genes: GLA (galactosidase alpha; minus strand), RPL36A-HNRNPH2 (RPL36A-HNRNPH2 readthrough; plus strand). Cytogenetic location: Xq22.1.
Variant type: single nucleotide variant.
Coding change: c.980A>G on transcript NM_000169.3 (MANE Select); coding-DNA position 980, A replaced by G.
Protein change: p.Gln327Arg; replaces glutamine 327 with arginine.
Molecular consequence: missense variant. On other transcripts: non-coding transcript variant (3), intron variant (2).
Genome position (GRCh38, 1-based): chrX:101,398,389, T>C on the plus strand (A>G on the coding strand, the complement: GLA is on the minus strand). VCF-style: chrX-101398389-T-C. GRCh37 (hg19) VCF-style: chrX-100653377-T-C.
Other names: c.1103A>G, p.Gln368Arg (NM_001406747.1); c.980A>G, p.Gln327Arg (NM_001406748.1); c.300+2932T>C (NM_001199973.2); c.177+6567T>C (NM_001199974.2); short protein forms Q327R, Q368R.
Identifiers: ClinVar variation 217407 (VCV000217407.3), dbSNP rs869312160, ClinGen allele CA353090.